The following is an entry in ClinVar:

NM_001367799.1(ZSWIM8):c.4620_4665+54del

Genes: ZSWIM8 (zinc finger SWIM-type containing 8; plus strand), ZSWIM8-AS1 (ZSWIM8 antisense RNA 1; minus strand), NDST2-ZSWIM8-AS1 (NDST2-ZSWIM8-AS1 readthrough; minus strand). Cytogenetic location: 10q22.2.
Variant type: Deletion.
Coding change: c.4620_4665+54del on transcript NM_001367799.1 (MANE Select); coding-DNA position 4620 through 54 bases into the intron after coding-DNA position 4665, 100 bases deleted.
Molecular consequence: splice donor variant. On other transcripts: non-coding transcript variant (1).
Genome position (GRCh38, 1-based): chr10:73,799,445-73,799,544, 100 bases deleted. GRCh37 (hg19): chr10:75,559,203-75,559,302.
Other names: c.4620_4665+54del (NM_015037.4); c.4605_4650+54del (NM_001242487.2, NM_001242488.2).
Identifiers: ClinVar variation 2626968 (VCV002626968.1), dbSNP rs2547723259, ClinGen allele CA2582342679.

ClinVar aggregate classification (germline): Uncertain significance (1 of 4 stars; one submission).

Submission:

Greenwood Genetic Center Diagnostic Laboratories, Greenwood Genetic Center
Classification: Uncertain significance. Last evaluated: 2023-09-27. Review status: criteria provided, single submitter. Criteria: ACMG Guidelines, 2015. Collection method: clinical testing. Allele origin: germline. Affected: yes.
Comment: Gene of Uncertain Significance